The following is an entry in ClinVar:

NM_000540.3(RYR1):c.4122T>A (p.Asn1374Lys)

Gene: RYR1 (ryanodine receptor 1; plus strand). Cytogenetic location: 19q13.2.
Variant type: single nucleotide variant.
Coding change: c.4122T>A on transcript NM_000540.3 (MANE Select); coding-DNA position 4122, T replaced by A.
Protein change: p.Asn1374Lys; replaces asparagine 1374 with lysine.
Molecular consequence: missense variant.
Genome position (GRCh38, 1-based): chr19:38,473,733, T>A. VCF-style: chr19-38473733-T-A. GRCh37 (hg19) VCF-style: chr19-38964373-T-A.
Other names: c.4122T>A, p.Asn1374Lys (NM_001042723.2); short protein forms N1374K.
Identifiers: ClinVar variation 329017 (VCV000329017.10), dbSNP rs886054382, ClinGen allele CA10648625.

ClinVar aggregate classification (germline): Uncertain significance. Review status: criteria provided, multiple submitters, no conflicts (2 of 4 stars). 6 submissions from 4 submitters: Uncertain significance (6). Last evaluated 2026-08-27.

Conditions:
Malignant hyperthermia, susceptibility to, 1 (MHS1). Also called: RYR1-Related Malignant Hyperthermia Susceptibility; Anesthesia related hyperthermia; Malignant hyperpyrexia; Fulminating hyperpyrexia; Pharmacogenic myopathy; Malignant hyperthermia suceptibility 1. Identifiers: Orphanet 423, MedGen C2930980, MONDO:0007783, OMIM 145600.
Central core myopathy (CMYO1A). Also called: Central core disease; Myopathy, central fibrillar; CONGENITAL MYOPATHY 1A, AUTOSOMAL DOMINANT, WITH SUSCEPTIBILITY TO MALIGNANT HYPERTHERMIA. Identifiers: Orphanet 597, MedGen C5830701, MONDO:0007294, OMIM 117000.
Inborn genetic diseases. Identifiers: MedGen C0950123, MeSH D030342.
Congenital multicore myopathy with external ophthalmoplegia (CMYO1B). Also called: MULTIMINICORE DISEASE WITH EXTERNAL OPHTHALMOPLEGIA; Minicore myopathy with external ophthalmoplegia; MULTICORE MYOPATHY; Congenital myopathy 1B, autosomal recessive; Minicore myopathy. Identifiers: Orphanet 598, Orphanet 98905, MedGen C1850674, MONDO:0009712, OMIM 255320, HP:0003789.

Allele frequency attached by ClinVar (database versions not stated): gnomAD 0.00001; gnomAD exomes 0.00001.
gnomAD v4.1: 4 of 1,542,200 alleles (0.00026%); highest among the groups gnomAD compares: African/African-American, 0.0056%; no homozygotes.

Submissions (6):

Ambry Genetics
Classification: Uncertain significance for Inborn genetic diseases. Last evaluated: 2026-08-27. Review status: criteria provided, single submitter. Criteria: Ambry Variant Classification Scheme 2023. Collection method: clinical testing. Allele origin: germline.

GeneDx
Classification: Uncertain significance. Last evaluated: 2025-07-29. Review status: criteria provided, single submitter. Criteria: GeneDx Variant Classification Process June 2021. Collection method: clinical testing. Allele origin: germline. Affected: yes.
Comment: Not observed at significant frequency in large population cohorts (gnomAD); In silico analysis supports that this missense variant has a deleterious effect on protein structure/function; Has not been previously published as pathogenic or benign to our knowledge

All of Us Research Program, National Institutes of Health
Classification: Uncertain significance for Malignant hyperthermia, susceptibility to, 1. Last evaluated: 2024-07-10. Review status: criteria provided, single submitter. Criteria: ACMG Guidelines, 2015. Collection method: clinical testing. Allele origin: germline. Inheritance: Autosomal dominant inheritance. Observed: 1 variant allele, 1 heterozygote.
Comment: This missense variant replaces asparagine with lysine at codon 1374 of the RYR1 protein. Computational prediction suggests that this variant may not impact protein structure and function (internally defined REVEL score threshold <= 0.5, PMID: 27666373). To our knowledge, functional studies have not been reported for this variant. This variant has not been reported in individuals affected with RYR1-related disorders in the literature. This variant has been identified in 1/138902 chromosomes in the general population by the Genome Aggregation Database (gnomAD). The available evidence is insufficient to determine the role of this variant in disease conclusively. Therefore, this variant is classified as a Variant of Uncertain Significance.

This study involves interpretation of variants in research participants for the purpose of population health screening. Participant phenotype was not available at the time of variant classification. Additional details can be found in publication PMID: 35346344, PMCID: PMC8962531

Illumina Laboratory Services, Illumina
Classification: Uncertain significance for Central core myopathy. Last evaluated: 2018-01-12. Review status: criteria provided, single submitter. Criteria: ICSL Variant Classification Criteria 13 December 2019. Collection method: clinical testing. Allele origin: germline.

Illumina Laboratory Services, Illumina
Classification: Uncertain significance for Malignant hyperthermia, susceptibility to, 1. Last evaluated: 2018-01-12. Review status: criteria provided, single submitter. Criteria: ICSL Variant Classification Criteria 13 December 2019. Collection method: clinical testing. Allele origin: germline.

Illumina Laboratory Services, Illumina
Classification: Uncertain significance for Congenital multicore myopathy with external ophthalmoplegia. Last evaluated: 2018-01-12. Review status: criteria provided, single submitter. Criteria: ICSL Variant Classification Criteria 13 December 2019. Collection method: clinical testing. Allele origin: germline.